The following is an entry in ClinVar:

ClinVar aggregate classification (germline): Uncertain significance. Review status: criteria provided, multiple submitters, no conflicts (2 of 4 stars). 5 submissions from 5 submitters: Uncertain significance (5). Last evaluated 2025-07-14.

Conditions:
Hereditary nonpolyposis colorectal neoplasms. Identifiers: MedGen C0009405, MeSH D003123.
Endometrial carcinoma. Also called: Endometrial carcinoma, somatic. Identifiers: MedGen C0476089, MONDO:0002447, OMIM 608089, HP:0012114.
Mismatch repair cancer syndrome 3. Identifiers: MedGen C5436807, MONDO:0030841, OMIM 619097.
Lynch syndrome 5 (LYNCH5). Also called: Colorectal cancer, hereditary nonpolyposis, type 5; Hereditary non-polyposis colorectal cancer, type 5. Identifiers: Orphanet 144, MedGen C1833477, MONDO:0013710, OMIM 614350. Disease mechanism: loss of function.
Hereditary cancer-predisposing syndrome. Also called: Tumor predisposition; Hereditary neoplastic syndrome; Neoplastic Syndromes, Hereditary; Hereditary Cancer Syndrome. Identifiers: Orphanet 140162, MedGen C0027672, MeSH D009386, MONDO:0015356.

Allele frequency attached by ClinVar (database versions not stated): gnomAD 0.00001; TOPMed 0.00003.

Submissions (5):

Color Diagnostics, LLC DBA Color Health
Classification: Uncertain significance for Hereditary cancer-predisposing syndrome. Last evaluated: 2025-07-14. Review status: criteria provided, single submitter. Criteria: ACMG Guidelines, 2015. Collection method: clinical testing. Allele origin: germline.
Comment: This missense variant replaces leucine with proline at codon 76 of the MSH6 protein. Computational prediction suggests that this variant may not impact protein structure and function. To our knowledge, functional studies have not been reported for this variant. This variant has not been reported in individuals affected with MSH6-related disorders in the literature. This variant has not been identified in the general population by the Genome Aggregation Database (gnomAD). The available evidence is insufficient to determine the role of this variant in disease conclusively. Therefore, this variant is classified as a Variant of Uncertain Significance.

Labcorp Genetics (formerly Invitae), Labcorp
Classification: Uncertain significance for Hereditary nonpolyposis colorectal neoplasms. Last evaluated: 2025-03-12. Review status: criteria provided, single submitter. Criteria: Invitae Variant Classification Sherloc (09022015). Collection method: clinical testing. Allele origin: germline.
Comment: This sequence change replaces leucine, which is neutral and non-polar, with proline, which is neutral and non-polar, at codon 76 of the MSH6 protein (p.Leu76Pro). This variant is not present in population databases (gnomAD no frequency). This variant has not been reported in the literature in individuals affected with MSH6-related conditions. ClinVar contains an entry for this variant (Variation ID: 135834). Invitae Evidence Modeling of protein sequence and biophysical properties (such as structural, functional, and spatial information, amino acid conservation, physicochemical variation, residue mobility, and thermodynamic stability) indicates that this missense variant is not expected to disrupt MSH6 protein function with a negative predictive value of 95%. In summary, the available evidence is currently insufficient to determine the role of this variant in disease. Therefore, it has been classified as a Variant of Uncertain Significance.

Ambry Genetics
Classification: Uncertain significance for Hereditary cancer-predisposing syndrome. Last evaluated: 2024-10-28. Review status: criteria provided, single submitter. Criteria: Ambry Variant Classification Scheme 2023. Collection method: clinical testing. Allele origin: germline.
Comment: The p.L76P variant (also known as c.227T>C), located in coding exon 1 of the MSH6 gene, results from a T to C substitution at nucleotide position 227. The leucine at codon 76 is replaced by proline, an amino acid with similar properties. This amino acid position is well conserved in available vertebrate species. In addition, the in silico prediction for this alteration is inconclusive. Since supporting evidence is limited at this time, the clinical significance of this alteration remains unclear.

Fulgent Genetics
Classification: Uncertain significance for Endometrial carcinoma; Lynch syndrome 5; Mismatch repair cancer syndrome 3. Last evaluated: 2024-02-17. Review status: criteria provided, single submitter. Criteria: ACMG Guidelines, 2015. Collection method: clinical testing. Allele origin: germline.

GeneDx
Classification: Uncertain significance. Last evaluated: 2020-09-08. Review status: criteria provided, single submitter. Criteria: GeneDx Variant Classification Process June 2021. Collection method: clinical testing. Allele origin: germline. Affected: yes.
Comment: Not observed in large population cohorts (Lek 2016); In silico analysis supports that this missense variant does not alter protein structure/function; Has not been previously published as pathogenic or benign to our knowledge

NM_000179.3(MSH6):c.227T>C (p.Leu76Pro)

Gene: MSH6 (mutS homolog 6; plus strand). Cytogenetic location: 2p16.3.
Variant type: single nucleotide variant.
Coding change: c.227T>C on transcript NM_000179.3 (MANE Select); coding-DNA position 227, T replaced by C.
Protein change: p.Leu76Pro; replaces leucine 76 with proline.
Molecular consequence: missense variant. On other transcripts: 5 prime UTR variant (1).
Genome position (GRCh38, 1-based): chr2:47,783,460, T>C. VCF-style: chr2-47783460-T-C. GRCh37 (hg19) VCF-style: chr2-48010599-T-C.
Other names: c.227T>C, p.Leu76Pro (NM_001281492.2); c.-510T>C (NM_001281493.2); short protein forms L76P.
Identifiers: ClinVar variation 135834 (VCV000135834.19), dbSNP rs587780672, ClinGen allele CA009942.
Genomic context (GRCh38, chr2:47,783,460, plus strand): 5'-GGCCCAGGCCCTTGGCGCGCTCCGCGTCACCGCCCAAGGCGAAGAACCTCAACGGAGGGC[T>C]GCGGAGATCGGTAGCGCCTGCTGCCCCCACCAGGTAGCGGGGTGGGGGTGGGGTCGAAGG-3'
Protein context (NP_000170.1, residues 66-86): PPKAKNLNGG[Leu76Pro]RRSVAPAAPT